The following is an entry in ClinVar:

ClinVar aggregate classification (germline): Uncertain significance (1 of 4 stars; one submission).

gnomAD v4.1: 2 of 1,613,832 alleles (0.00012%); highest among the groups gnomAD compares: Non-Finnish European, 0.000085%; no homozygotes.

Submission:

Labcorp Genetics (formerly Invitae), Labcorp
Classification: Uncertain significance. Last evaluated: 2025-09-28. Review status: criteria provided, single submitter. Criteria: Invitae Variant Classification Sherloc (09022015). Collection method: clinical testing. Allele origin: germline.
Comment: This sequence change creates a premature translational stop signal (p.Gln1022*) in the FBN3 gene. It is expected to result in an absent or disrupted protein product. However, the current clinical and genetic evidence is not sufficient to establish whether loss-of-function variants in FBN3 cause disease. This variant is present in population databases (no rsID available, gnomAD 0.0009%). This variant has not been reported in the literature in individuals affected with FBN3-related conditions. In summary, the available evidence is currently insufficient to determine the role of this variant in disease. Therefore, it has been classified as a Variant of Uncertain Significance.

NM_032447.5(FBN3):c.3064C>T (p.Gln1022Ter)

Gene: FBN3 (fibrillin 3; minus strand). Cytogenetic location: 19p13.2.
Variant type: single nucleotide variant.
Coding change: c.3064C>T on transcript NM_032447.5 (MANE Select); coding-DNA position 3064, C replaced by T.
Protein change: p.Gln1022Ter; replaces glutamine 1022 with a stop codon.
Molecular consequence: nonsense.
Genome position (GRCh38, 1-based): chr19:8,123,482, G>A on the plus strand (C>T on the coding strand, the complement: FBN3 is on the minus strand). VCF-style: chr19-8123482-G-A. GRCh37 (hg19) VCF-style: chr19-8188366-G-A.
Other names: c.3064C>T, p.Gln1022Ter (NM_001321431.2); short protein forms Q1022*.
Identifiers: ClinVar variation 4770139 (VCV004770139.1).